The following is an entry in ClinVar:

ClinVar aggregate classification (germline): Uncertain significance. Review status: criteria provided, multiple submitters, no conflicts (2 of 4 stars). 4 submissions from 4 submitters: Uncertain significance (4). Last evaluated 2022-06-02.

Conditions:
Neonatal diabetes mellitus with congenital hypothyroidism. Also called: NDH SYNDROME. Identifiers: Orphanet 79118, MedGen C1857775, MONDO:0012436, OMIM 610199.

Allele frequency attached by ClinVar (database versions not stated): gnomAD 0.00002; gnomAD exomes 0.00004; ExAC 0.00005; TOPMed 0.00007; 1000 Genomes Project 30x 0.00016.
gnomAD v4.1: 40 of 1,613,840 alleles (0.0025%); highest among the groups gnomAD compares: Middle Eastern, 0.017%; no homozygotes.

Submissions (4):

GeneDx
Classification: Uncertain significance. Last evaluated: 2022-06-02. Review status: criteria provided, single submitter. Criteria: GeneDx Variant Classification Process June 2021. Collection method: clinical testing. Allele origin: germline. Affected: yes.
Comment: In silico analysis supports that this missense variant does not alter protein structure/function; Has not been previously published as pathogenic or benign to our knowledge

Labcorp Genetics (formerly Invitae), Labcorp
Classification: Uncertain significance. Last evaluated: 2022-03-12. Review status: criteria provided, single submitter. Criteria: Invitae Variant Classification Sherloc (09022015). Collection method: clinical testing. Allele origin: germline.
Comment: This sequence change replaces arginine, which is basic and polar, with histidine, which is basic and polar, at codon 747 of the GLIS3 protein (p.Arg747His). This variant is present in population databases (rs772126214, gnomAD 0.03%). This variant has not been reported in the literature in individuals affected with GLIS3-related conditions. ClinVar contains an entry for this variant (Variation ID: 913196). Algorithms developed to predict the effect of missense changes on protein structure and function are either unavailable or do not agree on the potential impact of this missense change (SIFT: "Deleterious"; PolyPhen-2: "Benign"; Align-GVGD: "Class C0"). In summary, the available evidence is currently insufficient to determine the role of this variant in disease. Therefore, it has been classified as a Variant of Uncertain Significance.

Fulgent Genetics
Classification: Uncertain significance for Neonatal diabetes mellitus with congenital hypothyroidism. Last evaluated: 2022-02-27. Review status: criteria provided, single submitter. Criteria: ACMG Guidelines, 2015. Collection method: clinical testing. Allele origin: unknown.

Illumina Laboratory Services, Illumina
Classification: Uncertain significance for Neonatal diabetes mellitus with congenital hypothyroidism. Last evaluated: 2018-01-13. Review status: criteria provided, single submitter. Criteria: ICSL Variant Classification Criteria 13 December 2019. Collection method: clinical testing. Allele origin: germline.

NM_001042413.2(GLIS3):c.2705G>A (p.Arg902His)

Gene: GLIS3 (GLIS family zinc finger 3; minus strand). Cytogenetic location: 9p24.2.
Variant type: single nucleotide variant.
Coding change: c.2705G>A on transcript NM_001042413.2 (MANE Select); coding-DNA position 2705, G replaced by A.
Protein change: p.Arg902His; replaces arginine 902 with histidine.
Molecular consequence: missense variant.
Genome position (GRCh38, 1-based): chr9:3,828,360, C>T on the plus strand (G>A on the coding strand, the complement: GLIS3 is on the minus strand). VCF-style: chr9-3828360-C-T. GRCh37 (hg19) VCF-style: chr9-3828360-C-T.
Other names: c.2240G>A, p.Arg747His (NM_152629.4); short protein forms R747H, R902H.
Identifiers: ClinVar variation 913196 (VCV000913196.7), dbSNP rs772126214, ClinGen allele CA4967659.
Genomic context (GRCh38, chr9:3,828,360, plus strand): 5'-TGGCTAGGACAGCGGTCCACGGTGCTGATCTGCAAGAAGGTAGCATCTTCAGCCCCGCTG[C>T]GGAGAGACTCCCCAAAGAGGCTCGAGGAACTTGAAGGTAAATCATACACTGGAAGAGAAA-3'
Protein context (NP_001035878.1, residues 892-912): SSSSLFGESL[Arg902His]SGAEDATFLQ